The following is an entry in ClinVar:

NM_001114753.3(ENG):c.239del (p.Leu80fs)

Gene: ENG (endoglin; minus strand). Cytogenetic location: 9q34.11.
Variant type: Deletion.
Coding change: c.239del on transcript NM_001114753.3 (MANE Select); coding-DNA position 239, one base deleted (T; older notation c.239delT).
Protein change: p.Leu80fs; shifts the reading frame from leucine 80.
Molecular consequence: frameshift variant. On other transcripts: 5 prime UTR variant (1).
Genome position (GRCh38, 1-based): chr9:127,829,808, A deleted on the plus strand (T on the coding strand, the reverse complement: ENG is on the minus strand). VCF-style (leftmost placement, unchanged base first): chr9-127829807-CA-C. GRCh37 (hg19) VCF-style: chr9-130592086-CA-C.
Other names: c.239delT, p.Leu80Argfs (NM_000118.4, NM_001406715.1); c.-308del (NM_001278138.2); short protein forms L80fs.
Identifiers: ClinVar variation 1790686 (VCV001790686.7), dbSNP rs2539083336, ClinGen allele CA2580079593.

ClinVar aggregate classification (germline): Pathogenic. Review status: criteria provided, multiple submitters, no conflicts (2 of 4 stars). 2 submissions from 2 submitters: Pathogenic (2). Last evaluated 2022-04-25.

Conditions:
Cardiovascular phenotype. Identifiers: MedGen CN230736.
Hereditary hemorrhagic telangiectasia (HHT). Also called: ORW DISEASE; Osler Weber Rendu syndrome; OSLER-RENDU-WEBER DISEASE; Osler hemorrhagic telangiectasia syndrome. Identifiers: Orphanet 774, MedGen C0039445, MONDO:0019180. Disease mechanism: loss of function.

Submissions (2):

Labcorp Genetics (formerly Invitae), Labcorp
Classification: Pathogenic for Hereditary hemorrhagic telangiectasia. Last evaluated: 2022-04-25. Review status: criteria provided, single submitter. Criteria: Invitae Variant Classification Sherloc (09022015). Collection method: clinical testing. Allele origin: germline.
Comment: This variant is not present in population databases (gnomAD no frequency). For these reasons, this variant has been classified as Pathogenic. This variant has not been reported in the literature in individuals affected with ENG-related conditions. This sequence change creates a premature translational stop signal (p.Leu80Argfs*22) in the ENG gene. It is expected to result in an absent or disrupted protein product. Loss-of-function variants in ENG are known to be pathogenic (PMID: 15879500).

Ambry Genetics
Classification: Pathogenic for Cardiovascular phenotype. Last evaluated: 2021-01-27. Review status: criteria provided, single submitter. Criteria: Ambry Variant Classification Scheme 2023. Collection method: clinical testing. Allele origin: germline.
Comment: The c.239delT pathogenic mutation, located in coding exon 3 of the ENG gene, results from a deletion of one nucleotide at nucleotide position 239, causing a translational frameshift with a predicted alternate stop codon (p.L80Rfs*22). This alteration is expected to result in loss of function by premature protein truncation or nonsense-mediated mRNA decay. As such, this alteration is interpreted as a disease-causing mutation.

Literature cited by the submitters: PubMed 15879500 (cited by Labcorp Genetics (formerly Invitae), Labcorp).